The following is an entry in ClinVar:

NM_001032283.3(TMPO):c.565+1120G>C

Gene: TMPO (thymopoietin; plus strand). Cytogenetic location: 12q23.1.
Variant type: single nucleotide variant.
Coding change: c.565+1120G>C on transcript NM_001032283.3 (MANE Select); 1120 bases into the intron after coding-DNA position 565, G replaced by C.
Molecular consequence: intron variant. On other transcripts: missense variant (1).
Genome position (GRCh38, 1-based): chr12:98,532,958, G>C. VCF-style: chr12-98532958-G-C. GRCh37 (hg19) VCF-style: chr12-98926736-G-C.
Other names: c.701G>C, p.Gly234Ala (NM_003276.2); c.565+1120G>C (NM_001307975.2, NM_001032284.3); short protein forms G234A.
Identifiers: ClinVar variation 2837281 (VCV002837281.3), dbSNP rs2548502852, ClinGen allele CA386151624.

ClinVar aggregate classification (germline): Uncertain significance (1 of 4 stars; one submission).

Conditions:
Loeys-Dietz syndrome 2 (LDS2). Also called: TGFBR2-Related Loeys-Dietz Syndrome; AORTIC ANEURYSM, FAMILIAL THORACIC 3; MARFAN SYNDROME, TYPE II; Marfan like connective tissue disorder; MFS 2; Marfan syndrome, type 2 (formerly). Identifiers: Orphanet 284973, Orphanet 558, MedGen C2674574, MONDO:0012427, OMIM 610168.

Submission:

Labcorp Genetics (formerly Invitae), Labcorp
Classification: Uncertain significance for Loeys-Dietz syndrome 2. Last evaluated: 2023-10-10. Review status: criteria provided, single submitter. Criteria: Invitae Variant Classification Sherloc (09022015). Collection method: clinical testing. Allele origin: germline.
Comment: This sequence change replaces glycine, which is neutral and non-polar, with alanine, which is neutral and non-polar, at codon 234 of the TMPO protein (p.Gly234Ala). This variant is not present in population databases (gnomAD no frequency). This variant has not been reported in the literature in individuals affected with TMPO-related conditions. Advanced modeling of protein sequence and biophysical properties (such as structural, functional, and spatial information, amino acid conservation, physicochemical variation, residue mobility, and thermodynamic stability) performed at Invitae indicates that this missense variant is not expected to disrupt TMPO protein function. In summary, the available evidence is currently insufficient to determine the role of this variant in disease. Therefore, it has been classified as a Variant of Uncertain Significance.